The following is an entry in ClinVar:

ClinVar aggregate classification (germline): Likely benign. Review status: criteria provided, multiple submitters, no conflicts (2 of 4 stars). 2 submissions from 2 submitters: Likely benign (2). Last evaluated 2018-09-26.

Conditions:
Hepatoencephalopathy due to combined oxidative phosphorylation defect type 1. Also called: HEPATOENCEPHALOPATHY, EARLY FATAL PROGRESSIVE. Identifiers: Orphanet 137681, MedGen C1836797, MONDO:0012191, OMIM 609060.

Allele frequency attached by ClinVar (database versions not stated): gnomAD exomes 0.00039; 1000 Genomes Project 0.00339; 1000 Genomes Project 30x 0.00422; TOPMed 0.00458.

Submissions (2):

GeneDx
Classification: Likely benign. Last evaluated: 2018-09-26. Review status: criteria provided, single submitter. Criteria: GeneDx Variant Classification Process June 2021. Collection method: clinical testing. Allele origin: germline. Affected: yes.

Illumina Laboratory Services, Illumina
Classification: Likely benign for Hepatoencephalopathy due to combined oxidative phosphorylation defect type 1. Last evaluated: 2018-01-13. Review status: criteria provided, single submitter. Criteria: ICSL Variant Classification Criteria 13 December 2019. Collection method: clinical testing. Allele origin: germline.
Comment: This variant was observed in the ICSL laboratory as part of a predisposition screen in an ostensibly healthy population. It had not been previously curated by ICSL or reported in the Human Gene Mutation Database (HGMD: prior to June 1st, 2018), and was therefore a candidate for classification through an automated scoring system. Utilizing variant allele frequency, disease prevalence and penetrance estimates, and inheritance mode, an automated score was calculated to assess if this variant is too frequent to cause the disease. Based on the score and internal cut-off values, a variant classified as likely benign is not then subjected to further curation. The score for this variant resulted in a classification of likely benign for this disease.

NM_024996.7(GFM1):c.*116C>T

Gene: GFM1 (G elongation factor mitochondrial 1; plus strand). Cytogenetic location: 3q25.32.
Variant type: single nucleotide variant.
Coding change: c.*116C>T on transcript NM_024996.7 (MANE Select); 116 bases downstream of the stop codon, C replaced by T.
Molecular consequence: 3 prime UTR variant. On other transcripts: non-coding transcript variant (4).
Genome position (GRCh38, 1-based): chr3:158,691,583, C>T. VCF-style: chr3-158691583-C-T. GRCh37 (hg19) VCF-style: chr3-158409372-C-T.
Other names: c.*116C>T (NM_001308164.2, NM_001374355.1, NM_001374356.1 and 5 more transcripts).
Identifiers: ClinVar variation 902833 (VCV000902833.7), dbSNP rs115593809, ClinGen allele CA86534250.